The following is an entry in ClinVar:

NM_030962.4(SBF2):c.3257-69_3282del

Genes: SBF2 (SET binding factor 2; minus strand), LOC101928008 (uncharacterized LOC101928008; plus strand). Cytogenetic location: 11p15.4.
Variant type: Deletion.
Coding change: c.3257-69_3282del on transcript NM_030962.4 (MANE Select); 69 bases into the intron before coding-DNA position 3257 through coding-DNA position 3282, 95 bases deleted.
Molecular consequence: splice acceptor variant.
Genome position (GRCh38, 1-based): chr11:9,839,671-9,839,765, 95 bases deleted. GRCh37 (hg19): chr11:9,861,267-9,861,361.
Other names: c.3128-69_3153del (NM_001386342.1); c.3257-69_3282del (NM_001386339.1).
Identifiers: ClinVar variation 1446131 (VCV001446131.3), dbSNP rs1855973417, ClinGen allele CA5881314.

ClinVar aggregate classification (germline): Uncertain significance (1 of 4 stars; one submission).

Conditions:
Charcot-Marie-Tooth disease type 4. Also called: Charcot-Marie-Tooth disease, type IV; Charcot-Marie-Tooth, Type 4. Identifiers: Orphanet 64749, MedGen C4082197, MONDO:0018995.

Submission:

Labcorp Genetics (formerly Invitae), Labcorp
Classification: Uncertain significance for Charcot-Marie-Tooth disease type 4. Last evaluated: 2022-07-21. Review status: criteria provided, single submitter. Criteria: Invitae Variant Classification Sherloc (09022015). Collection method: clinical testing. Allele origin: germline.
Comment: This sequence change falls in intron 25 of the SBF2 gene. It does not directly change the encoded amino acid sequence of the SBF2 protein. This variant is present in population databases (no rsID available, gnomAD 0.03%). This variant has not been reported in the literature in individuals affected with SBF2-related conditions. This variant is also known as c.3257-69_3282del. ClinVar contains an entry for this variant (Variation ID: 1446131). Algorithms developed to predict the effect of sequence changes on RNA splicing suggest that this variant may disrupt the consensus splice site. In summary, the available evidence is currently insufficient to determine the role of this variant in disease. Therefore, it has been classified as a Variant of Uncertain Significance.